The following is an entry in ClinVar:

NM_001128636.4(ELFN1):c.631G>T (p.Ala211Ser)

Gene: ELFN1 (extracellular leucine rich repeat and fibronectin type III domain containing 1; plus strand). Cytogenetic location: 7p22.3.
Variant type: single nucleotide variant.
Coding change: c.631G>T on transcript NM_001128636.4 (MANE Select); coding-DNA position 631, G replaced by T.
Protein change: p.Ala211Ser; replaces alanine 211 with serine.
Molecular consequence: missense variant.
Genome position (GRCh38, 1-based): chr7:1,745,227, G>T. VCF-style: chr7-1745227-G-T. GRCh37 (hg19) VCF-style: chr7-1784863-G-T.
Other names: c.631G>T, p.Ala211Ser (NM_001394187.1, NM_001394188.1); short protein forms A211S.
Identifiers: ClinVar variation 5018200 (VCV005018200.1).

ClinVar aggregate classification (germline): Uncertain significance (1 of 4 stars; one submission).

Submission:

GeneDx
Classification: Uncertain significance. Last evaluated: 2026-04-03. Review status: criteria provided, single submitter. Criteria: GeneDx Variant Classification Process June 2021. Collection method: clinical testing. Allele origin: germline.
Comment: Not observed at significant frequency in large population cohorts (gnomAD); In silico analysis suggests that this missense variant does not alter protein structure/function; Has not been previously published as pathogenic or benign to our knowledge